The following is an entry in ClinVar:

ClinVar aggregate classification (germline): Uncertain significance. Review status: criteria provided, multiple submitters, no conflicts (2 of 4 stars). 3 submissions from 3 submitters: Uncertain significance (3). Last evaluated 2024-10-14.

Conditions:
Retinal dystrophy. Also called: Inherited retinal dystrophy. Identifiers: Orphanet 71862, MedGen C0854723, MeSH D058499, MONDO:0019118, HP:0000556.

Allele frequency attached by ClinVar (database versions not stated): TOPMed below 0.00001; gnomAD 0.00002; gnomAD exomes 0.00008; 1000 Genomes Project 30x 0.00016; 1000 Genomes Project 0.00020.
gnomAD v4.1: 49 of 1,551,232 alleles (0.0032%); highest among the groups gnomAD compares: East Asian, 0.11%; no homozygotes.

Submissions (3):

Women's Health and Genetics/Laboratory Corporation of America, LabCorp
Classification: Uncertain significance. Last evaluated: 2024-10-14. Review status: criteria provided, single submitter. Criteria: LabCorp Variant Classification Summary - May 2015. Collection method: clinical testing. Allele origin: germline.
Comment: Variant summary: EYS c.4897A>G (p.Lys1633Glu) results in a conservative amino acid change in the encoded protein sequence. Five of five in-silico tools predict a benign effect of the variant on protein function. The variant allele was found at a frequency of 5.2e-05 in 153322 control chromosomes (gnomAD). The available data on variant occurrences in the general population are insufficient to allow any conclusion about variant significance. c.4897A>G has been reported in the literature in individuals affected with EYS-related conditions (examples: Arai_2015, Iwanami_2019, Numa_2020). These report(s) do not provide unequivocal conclusions about association of the variant with Retinitis Pigmentosa. To our knowledge, no experimental evidence demonstrating an impact on protein function has been reported. The following publications have been ascertained in the context of this evaluation (PMID: 26161267, 31814702, 33247286). ClinVar contains an entry for this variant (Variation ID: 2202087). Based on the evidence outlined above, the variant was classified as uncertain significance.

Dept Of Ophthalmology, Nagoya University
Classification: Uncertain significance for Retinal dystrophy. Last evaluated: 2023-10-01. Review status: criteria provided, single submitter. Criteria: Submitter's publication. Collection method: research. Allele origin: germline. Affected: yes.

Labcorp Genetics (formerly Invitae), Labcorp
Classification: Uncertain significance. Last evaluated: 2022-06-13. Review status: criteria provided, single submitter. Criteria: Invitae Variant Classification Sherloc (09022015). Collection method: clinical testing. Allele origin: germline.
Comment: This sequence change replaces lysine, which is basic and polar, with glutamic acid, which is acidic and polar, at codon 1633 of the EYS protein (p.Lys1633Glu). This variant is present in population databases (rs77523865, gnomAD 0.08%). This missense change has been observed in individual(s) with retinal dystrophy (PMID: 26161267). Algorithms developed to predict the effect of missense changes on protein structure and function (SIFT, PolyPhen-2, Align-GVGD) all suggest that this variant is likely to be tolerated. In summary, the available evidence is currently insufficient to determine the role of this variant in disease. Therefore, it has been classified as a Variant of Uncertain Significance.

Literature cited by the submitters: PubMed 33247286 (cited by Women's Health and Genetics/Laboratory Corporation of America, LabCorp); PubMed 31814702 (cited by Women's Health and Genetics/Laboratory Corporation of America, LabCorp); PubMed 26161267 (cited by Women's Health and Genetics/Laboratory Corporation of America, LabCorp and Labcorp Genetics (formerly Invitae), Labcorp).

NM_001142800.2(EYS):c.4897A>G (p.Lys1633Glu)

Gene: EYS (eyes shut homolog; minus strand). Cytogenetic location: 6q12.
Variant type: single nucleotide variant.
Coding change: c.4897A>G on transcript NM_001142800.2 (MANE Select); coding-DNA position 4897, A replaced by G.
Protein change: p.Lys1633Glu; replaces lysine 1633 with glutamic acid.
Molecular consequence: missense variant.
Genome position (GRCh38, 1-based): chr6:64,590,970, T>C on the plus strand (A>G on the coding strand, the complement: EYS is on the minus strand). VCF-style: chr6-64590970-T-C. GRCh37 (hg19) VCF-style: chr6-65300863-T-C.
Other names: c.4897A>G, p.Lys1633Glu (NM_001292009.2); short protein forms K1633E.
Identifiers: ClinVar variation 2202087 (VCV002202087.3), dbSNP rs77523865, ClinGen allele CA140340926.